The following is an entry in ClinVar:

NM_001927.4(DES):c.1158C>T (p.Arg386=)

Gene: DES (desmin; plus strand). Cytogenetic location: 2q35.
Variant type: single nucleotide variant.
Coding change: c.1158C>T on transcript NM_001927.4 (MANE Select); coding-DNA position 1158, C replaced by T.
Protein change: p.Arg386=; no amino-acid change (arginine 386 retained).
Molecular consequence: synonymous variant.
Genome position (GRCh38, 1-based): chr2:219,421,474, C>T. VCF-style: chr2-219421474-C-T. GRCh37 (hg19) VCF-style: chr2-220286196-C-T.
Other names: p.Arg386=; c.1158C>T (LRG_380t1).
Identifiers: ClinVar variation 285963 (VCV000285963.43), dbSNP rs774323736, ClinGen allele CA2125250.

ClinVar aggregate classification (germline): Conflicting classifications of pathogenicity. Review status: criteria provided, conflicting classifications (1 of 4 stars). 7 submissions from 7 submitters: Uncertain significance (5); Likely benign (2). Last evaluated 2025-10-01.

Conditions:
Cardiovascular phenotype. Identifiers: MedGen CN230736.
Desmin-related myofibrillar myopathy (MFM1). Also called: Desminopathy; Desmin related myopathy (former name); Desmin storage myopathy (former name); Myofibrillar myopathy 1; MYOFIBRILLAR MYOPATHY WITH ARRHYTHMOGENIC RIGHT VENTRICULAR CARDIOMYOPATHY; DESMIN-RELATED MYOPATHY WITH ARRHYTHMOGENIC RIGHT VENTRICULAR CARDIOMYOPATHY. Identifiers: Orphanet 363543, Orphanet 98909, MedGen C1832370, MONDO:0011076, OMIM 601419.
Cardiomyopathy (CMYO). Also called: Cardiomyopathies. Identifiers: Orphanet 167848, MedGen C0878544, MONDO:0004994, HP:0001638. Inheritance: Various modes of inheritance.

Allele frequency attached by ClinVar (database versions not stated): gnomAD exomes 0.00002 and 0.00003; ExAC 0.00003; TOPMed 0.00003; gnomAD 0.00004.
gnomAD v4.1: 40 of 1,614,082 alleles (0.0025%); highest among the groups gnomAD compares: South Asian, 0.0066%; no homozygotes.

Submissions (7):

Labcorp Genetics (formerly Invitae), Labcorp
Classification: Likely benign for Desmin-related myofibrillar myopathy. Last evaluated: 2025-10-01. Review status: criteria provided, single submitter. Criteria: Invitae Variant Classification Sherloc (09022015). Collection method: clinical testing. Allele origin: germline.

Ambry Genetics
Classification: Uncertain significance for Cardiovascular phenotype. Last evaluated: 2025-05-05. Review status: criteria provided, single submitter. Criteria: Ambry Variant Classification Scheme 2023. Collection method: clinical testing. Allele origin: germline.
Comment: The c.1158C>T variant (also known as p.R386R), located in coding exon 6 of the DES gene, results from a C to T substitution at nucleotide position 1158. This nucleotide substitution does not change the arginine at codon 386. This nucleotide position is not well conserved in available vertebrate species. In silico splice site analysis predicts that this alteration may result in the creation or strengthening of a novel splice donor site. Since supporting evidence is limited at this time, the clinical significance of this alteration remains unclear.

GeneDx
Classification: Uncertain significance. Last evaluated: 2024-10-26. Review status: criteria provided, single submitter. Criteria: GeneDx Variant Classification Process June 2021. Collection method: clinical testing. Allele origin: germline. Affected: yes.
Comment: Not observed at significant frequency in large population cohorts (gnomAD); Has not been previously published as pathogenic or benign to our knowledge; In silico analysis suggests this variant may impact gene splicing. In the absence of RNA/functional studies, the actual effect of this sequence change is unknown.

CeGaT Center for Human Genetics Tuebingen
Classification: Likely benign. Last evaluated: 2023-07-01. Review status: criteria provided, single submitter. Criteria: CeGaT Center For Human Genetics Tuebingen Variant Classification Criteria Version 2. Collection method: clinical testing. Allele origin: germline. Affected: yes. Observed: 1 variant allele.
Comment: DES: BS2

Mayo Clinic Laboratories, Mayo Clinic
Classification: Uncertain significance. Last evaluated: 2022-09-15. Review status: criteria provided, single submitter. Criteria: ACMG Guidelines, 2015. Collection method: clinical testing. Allele origin: germline. Observed: 1 variant allele.

CHEO Genetics Diagnostic Laboratory, Children's Hospital of Eastern Ontario
Classification: Uncertain significance for Cardiomyopathy. Last evaluated: 2019-02-15. Review status: criteria provided, single submitter. Criteria: ACMG Guidelines, 2015. Collection method: clinical testing. Allele origin: germline.

Eurofins Ntd Llc (ga)
Classification: Uncertain significance. Last evaluated: 2016-02-09. Review status: criteria provided, single submitter. Criteria: EGL Classification Definitions 2015. Collection method: clinical testing. Allele origin: germline. Observed: 1 variant allele, 1 heterozygote.

Literature cited by the submitters: PubMed 35470680 (cited by Ambry Genetics).